The following is an entry in ClinVar:

NM_001160372.4(TRAPPC9):c.2912G>A (p.Arg971Gln)

Gene: TRAPPC9 (trafficking protein particle complex subunit 9; minus strand). Cytogenetic location: 8q24.3.
Variant type: single nucleotide variant.
Coding change: c.2912G>A on transcript NM_001160372.4 (MANE Select); coding-DNA position 2912, G replaced by A.
Protein change: p.Arg971Gln; replaces arginine 971 with glutamine.
Molecular consequence: missense variant. On other transcripts: non-coding transcript variant (1).
Genome position (GRCh38, 1-based): chr8:139,910,199, C>T on the plus strand (G>A on the coding strand, the complement: TRAPPC9 is on the minus strand). VCF-style: chr8-139910199-C-T. GRCh37 (hg19) VCF-style: chr8-140922443-C-T.
Other names: c.3206G>A (NM_031466.5); c.2885G>A, p.Arg962Gln (NM_001321646.2); c.2933G>A, p.Arg978Gln (NM_001374682.1); c.2801G>A, p.Arg934Gln (NM_001374683.1); c.2768G>A, p.Arg923Gln (NM_001374684.1); c.2912G>A, p.Arg971Gln (NM_031466.8); short protein forms R923Q, R934Q, R962Q, R971Q, R978Q.
Identifiers: ClinVar variation 2658856 (VCV002658856.25), dbSNP rs750526802, ClinGen allele CA4892880.
Genomic context (GRCh38, chr8:139,910,199, plus strand): 5'-AAGGATATGATTCTCCAGCAGATGCCCAGCTTGCTGTGGATCTCCAGGCCTCGGGCTTCC[C>T]GCCGCTCTTCCTCCAGCTGCTTGGGGTTTGCAAATTGCCCCTTCTCCCCAGGGGACTCCG-3'
Protein context (NP_001153844.1, residues 961-981): ANPKQLEEER[Arg971Gln]EARGLEIHSK

ClinVar aggregate classification (germline): Conflicting classifications of pathogenicity. Review status: criteria provided, conflicting classifications (1 of 4 stars). 2 submissions from 2 submitters: Uncertain significance (1); Likely benign (1). Last evaluated 2024-07-02.

Allele frequency attached by ClinVar (database versions not stated): ExAC 0.00003; gnomAD 0.00003; TOPMed 0.00005.
gnomAD v4.1: 38 of 1,614,078 alleles (0.0024%); highest among the groups gnomAD compares: Admixed American, 0.005%; no homozygotes.

Submissions (2):

GeneDx
Classification: Uncertain significance. Last evaluated: 2024-07-02. Review status: criteria provided, single submitter. Criteria: GeneDx Variant Classification Process June 2021. Collection method: clinical testing. Allele origin: germline. Affected: yes.
Comment: Not observed at significant frequency in large population cohorts (gnomAD); In silico analysis indicates that this missense variant does not alter protein structure/function; Has not been previously published as pathogenic or benign to our knowledge

CeGaT Center for Human Genetics Tuebingen
Classification: Likely benign. Last evaluated: 2022-05-01. Review status: criteria provided, single submitter. Criteria: CeGaT Center For Human Genetics Tuebingen Variant Classification Criteria Version 2. Collection method: clinical testing. Allele origin: germline. Affected: yes. Observed: 1 variant allele.
Comment: TRAPPC9: BP4